The following is an entry in ClinVar:

ClinVar aggregate classification (germline): Uncertain significance. Review status: criteria provided, multiple submitters, no conflicts (2 of 4 stars). 3 submissions from 3 submitters: Uncertain significance (3). Last evaluated 2023-05-19.

Conditions:
Inborn genetic diseases. Identifiers: MedGen C0950123, MeSH D030342.

Allele frequency attached by ClinVar (database versions not stated): gnomAD 0.00001 and 0.00002; TOPMed 0.00002; gnomAD exomes 0.00004 and 0.00009; ESP Exome Variant Server 0.00008; ExAC 0.00009.
gnomAD v4.1: 72 of 1,614,012 alleles (0.0045%); highest among the groups gnomAD compares: Admixed American, 0.0017%; no homozygotes.

Submissions (3):

Labcorp Genetics (formerly Invitae), Labcorp
Classification: Uncertain significance. Last evaluated: 2023-05-19. Review status: criteria provided, single submitter. Criteria: Invitae Variant Classification Sherloc (09022015). Collection method: clinical testing. Allele origin: germline.
Comment: This sequence change replaces methionine, which is neutral and non-polar, with threonine, which is neutral and polar, at codon 2555 of the ANK3 protein (p.Met2555Thr). This variant is present in population databases (rs146874315, gnomAD 0.2%). This variant has not been reported in the literature in individuals affected with ANK3-related conditions. ClinVar contains an entry for this variant (Variation ID: 379786). Advanced modeling of protein sequence and biophysical properties (such as structural, functional, and spatial information, amino acid conservation, physicochemical variation, residue mobility, and thermodynamic stability) performed at Invitae indicates that this missense variant is not expected to disrupt ANK3 protein function. In summary, the available evidence is currently insufficient to determine the role of this variant in disease. Therefore, it has been classified as a Variant of Uncertain Significance.

Ambry Genetics
Classification: Uncertain significance for Inborn genetic diseases. Last evaluated: 2022-04-22. Review status: criteria provided, single submitter. Criteria: Ambry Variant Classification Scheme 2023. Collection method: clinical testing. Allele origin: germline.

GeneDx
Classification: Uncertain significance. Last evaluated: 2019-09-24. Review status: criteria provided, single submitter. Criteria: GeneDx Variant Classification Process June 2021. Collection method: clinical testing. Allele origin: germline. Affected: yes.
Comment: Has not been previously published as pathogenic or benign to our knowledge; In silico analysis, which includes protein predictors and evolutionary conservation, supports that this variant does not alter protein structure/function

NM_020987.5(ANK3):c.7664T>C (p.Met2555Thr)

Gene: ANK3 (ankyrin 3; minus strand). Cytogenetic location: 10q21.2.
Variant type: single nucleotide variant.
Coding change: c.7664T>C on transcript NM_020987.5 (MANE Select); coding-DNA position 7664, T replaced by C.
Protein change: p.Met2555Thr; replaces methionine 2555 with threonine.
Molecular consequence: missense variant. On other transcripts: intron variant (4).
Genome position (GRCh38, 1-based): chr10:60,073,217, A>G on the plus strand (T>C on the coding strand, the complement: ANK3 is on the minus strand). VCF-style: chr10-60073217-A-G. GRCh37 (hg19) VCF-style: chr10-61832975-A-G.
Other names: c.4388-5208T>C (NM_001204403.2); c.4409-5208T>C (NM_001204404.2); c.4406-5208T>C (NM_001320874.2); c.1808-5208T>C (NM_001149.4); short protein forms M2555T.
Identifiers: ClinVar variation 379786 (VCV000379786.7), dbSNP rs146874315, ClinGen allele CA5511676.
Genomic context (GRCh38, chr10:60,073,217, plus strand): 5'-TCTTCATATATCAACTTCTCTCTACCTCTGTCTAATCTGTCCTCAGTAAAGCGCATCCAC[A>G]TGGCATGTTTTGGACTACTAACATTGCCAGAATAGTGCAACACTGTCACTTTATCAAAAT-3'
Protein context (NP_066267.2, residues 2545-2565): SGNVSSPKHA[Met2555Thr]WMRFTEDRLD